The following is an entry in ClinVar:

ClinVar aggregate classification (germline): Pathogenic (1 of 4 stars; one submission).

Conditions:
Ellis-van Creveld syndrome (EVC). Also called: EVC-Related Ellis-van Creveld Syndrome; EVC2-Related Ellis-van Creveld Syndrome; MESOECTODERMAL DYSPLASIA; Chondroectodermal dysplasia. Identifiers: Orphanet 289, MedGen C0013903, MONDO:0009162, OMIM 225500.
Curry-Hall syndrome (WAD). Also called: WEYERS ACRODENTAL DYSOSTOSIS. Identifiers: Orphanet 952, MedGen C0457013, MONDO:0008673, OMIM 193530.

Submission:

Labcorp Genetics (formerly Invitae), Labcorp
Classification: Pathogenic for Curry-Hall syndrome; Ellis-van Creveld syndrome. Last evaluated: 2023-10-04. Review status: criteria provided, single submitter. Criteria: Invitae Variant Classification Sherloc (09022015). Collection method: clinical testing. Allele origin: germline.
Comment: This sequence change creates a premature translational stop signal (p.Arg796Glyfs*17) in the EVC2 gene. It is expected to result in an absent or disrupted protein product. Loss-of-function variants in EVC2 are known to be pathogenic (PMID: 17024374, 19810119, 19876929). This variant is not present in population databases (gnomAD no frequency). This variant has not been reported in the literature in individuals affected with EVC2-related conditions. For these reasons, this variant has been classified as Pathogenic.

Literature cited by the submitters: PubMed 17024374; PubMed 19810119; PubMed 19876929.

NM_147127.5(EVC2):c.2386_2387del (p.Arg796fs)

Gene: EVC2 (EvC ciliary complex subunit 2; minus strand). Cytogenetic location: 4p16.2.
Variant type: Microsatellite.
Coding change: c.2386_2387del on transcript NM_147127.5 (MANE Select); coding-DNA positions 2386 to 2387, 2 bases deleted (AG; older notation c.2386_2387delAG).
Protein change: p.Arg796fs; shifts the reading frame from arginine 796.
Molecular consequence: frameshift variant.
Genome position (GRCh38, 1-based): chr4:5,622,651-5,622,652, CT deleted on the plus strand (AG on the coding strand, the reverse complement: EVC2 is on the minus strand); deleting any 2 consecutive bases within chr4:5,622,651-5,622,655 gives the same sequence; the c. name uses the placement nearest the transcript's 3' end. VCF-style (leftmost placement, unchanged base first): chr4-5622650-CCT-C. GRCh37 (hg19) VCF-style: chr4-5624377-CCT-C.
Other names: c.2146_2147del, p.Arg716fs (NM_001166136.2); short protein forms R796fs, R716fs.
Identifiers: ClinVar variation 2952472 (VCV002952472.3), dbSNP rs2475374192, ClinGen allele CA2740091132.